The following is an entry in ClinVar:

NM_000214.3(JAG1):c.165C>A (p.Cys55Ter)

Gene: JAG1 (jagged canonical Notch ligand 1; minus strand). Cytogenetic location: 20p12.2.
Variant type: single nucleotide variant.
Coding change: c.165C>A on transcript NM_000214.3 (MANE Select); coding-DNA position 165, C replaced by A.
Protein change: p.Cys55Ter; replaces cysteine 55 with a stop codon.
Molecular consequence: nonsense.
Genome position (GRCh38, 1-based): chr20:10,672,923, G>T on the plus strand (C>A on the coding strand, the complement: JAG1 is on the minus strand). VCF-style: chr20-10672923-G-T. GRCh37 (hg19) VCF-style: chr20-10653571-G-T.
Other names: short protein forms C55*.
Identifiers: ClinVar variation 1777435 (VCV001777435.2), dbSNP rs746259131, ClinGen allele CA408243532.

ClinVar aggregate classification (germline): Pathogenic (1 of 4 stars; one submission).

Conditions:
Cardiovascular phenotype. Identifiers: MedGen CN230736.

Submission:

Ambry Genetics
Classification: Pathogenic for Cardiovascular phenotype. Last evaluated: 2021-02-25. Review status: criteria provided, single submitter. Criteria: Ambry Variant Classification Scheme 2023. Collection method: clinical testing. Allele origin: germline.
Comment: The p.C55* pathogenic mutation (also known as c.165C>A), located in coding exon 2 of the JAG1 gene, results from a C to A substitution at nucleotide position 165. This changes the amino acid from a cysteine to a stop codon within coding exon 2. This mutation was identified in an individual with a clinical diagnosis of Alagille syndrome (Warthen DM et al. Hum. Mutat., 2006 May;27:436-43). In addition to the clinical data presented in the literature, this alteration is expected to result in loss of function by premature protein truncation or nonsense-mediated mRNA decay. As such, this alteration is interpreted as a disease-causing mutation.

Literature cited by the submitters: PubMed 16575836.